The following is an entry in ClinVar:

NM_001042492.3(NF1):c.2666C>A (p.Thr889Lys)

Gene: NF1 (neurofibromin 1; plus strand). Cytogenetic location: 17q11.2.
Variant type: single nucleotide variant.
Coding change: c.2666C>A on transcript NM_001042492.3 (MANE Select); coding-DNA position 2666, C replaced by A.
Protein change: p.Thr889Lys; replaces threonine 889 with lysine.
Molecular consequence: missense variant.
Genome position (GRCh38, 1-based): chr17:31,229,281, C>A. VCF-style: chr17-31229281-C-A. GRCh37 (hg19) VCF-style: chr17-29556299-C-A.
Other names: c.2666C>A, p.Thr889Lys (NM_000267.4); short protein forms T889K.
Identifiers: ClinVar variation 1718809 (VCV001718809.9), dbSNP rs369912079, ClinGen allele CA398984832.
Genomic context (GRCh38, chr17:31,229,281, plus strand): 5'-CAGTCAGTGAACGTAAGGGTTCTATGATTTCAGTGATGTCTTCAGAGGGAAACGCAGATA[C>A]ACCTGTCAGCAAATTTATGGATCGGCTGTTGTCCTTAATGGTGTGTAACCATGAGAAAGT-3'
Protein context (NP_001035957.1, residues 879-899): SVMSSEGNAD[Thr889Lys]PVSKFMDRLL

ClinVar aggregate classification (germline): Uncertain significance. Review status: criteria provided, multiple submitters, no conflicts (2 of 4 stars). 2 submissions from 2 submitters: Uncertain significance (2). Last evaluated 2025-04-01.

Conditions:
Neurofibromatosis, type 1 (NF1). Also called: Peripheral type neurofibromatosis; VON RECKLINGHAUSEN DISEASE; NEUROFIBROMATOSIS, TYPE I, SOMATIC; Neurofibromatosis, type I. Identifiers: Orphanet 636, MedGen C0027831, MONDO:0018975, OMIM 162200. Disease mechanism: loss of function.
Cardiovascular phenotype. Identifiers: MedGen CN230736.
Hereditary cancer-predisposing syndrome. Also called: Hereditary neoplastic syndrome; Tumor predisposition; Neoplastic Syndromes, Hereditary; Hereditary Cancer Syndrome. Identifiers: Orphanet 140162, MedGen C0027672, MeSH D009386, MONDO:0015356.

gnomAD v4.1: 2 of 1,613,776 alleles (0.00012%); highest among the groups gnomAD compares: Admixed American, 0.0033%; no homozygotes.

Submissions (2):

Ambry Genetics
Classification: Uncertain significance for Cardiovascular phenotype; Hereditary cancer-predisposing syndrome. Last evaluated: 2025-04-01. Review status: criteria provided, single submitter. Criteria: Ambry Variant Classification Scheme 2023. Collection method: clinical testing. Allele origin: germline.
Comment: The p.T889K variant (also known as c.2666C>A), located in coding exon 21 of the NF1 gene, results from a C to A substitution at nucleotide position 2666. The threonine at codon 889 is replaced by lysine, an amino acid with similar properties. This amino acid position is well conserved in available vertebrate species. In addition, the in silico prediction for this alteration is inconclusive. Based on the available evidence, the clinical significance of this variant remains unclear.

Labcorp Genetics (formerly Invitae), Labcorp
Classification: Uncertain significance for Neurofibromatosis, type 1. Last evaluated: 2024-04-09. Review status: criteria provided, single submitter. Criteria: Invitae Variant Classification Sherloc (09022015). Collection method: clinical testing. Allele origin: germline.
Comment: This sequence change replaces threonine, which is neutral and polar, with lysine, which is basic and polar, at codon 889 of the NF1 protein (p.Thr889Lys). This variant is not present in population databases (gnomAD no frequency). This variant has not been reported in the literature in individuals affected with NF1-related conditions. ClinVar contains an entry for this variant (Variation ID: 1718809). Advanced modeling of protein sequence and biophysical properties (such as structural, functional, and spatial information, amino acid conservation, physicochemical variation, residue mobility, and thermodynamic stability) has been performed at Invitae for this missense variant, however the output from this modeling did not meet the statistical confidence thresholds required to predict the impact of this variant on NF1 protein function. In summary, the available evidence is currently insufficient to determine the role of this variant in disease. Therefore, it has been classified as a Variant of Uncertain Significance.